The following is an entry in ClinVar:

NM_004380.3(CREBBP):c.3605G>C (p.Arg1202Pro)

Gene: CREBBP (CREB binding lysine acetyltransferase; minus strand). Cytogenetic location: 16p13.3.
Variant type: single nucleotide variant.
Coding change: c.3605G>C on transcript NM_004380.3 (MANE Select); coding-DNA position 3605, G replaced by C.
Protein change: p.Arg1202Pro; replaces arginine 1202 with proline.
Molecular consequence: missense variant.
Genome position (GRCh38, 1-based): chr16:3,757,813, C>G on the plus strand (G>C on the coding strand, the complement: CREBBP is on the minus strand). VCF-style: chr16-3757813-C-G. GRCh37 (hg19) VCF-style: chr16-3807814-C-G.
Other names: c.3491G>C, p.Arg1164Pro (NM_001079846.1); short protein forms R1164P, R1202P.
Identifiers: ClinVar variation 3347792 (VCV003347792.1).

ClinVar aggregate classification (germline): Uncertain significance (0 of 4 stars; one submission).

Conditions:
CREBBP-related disorder. Also called: CREBBP-related condition; CREBBP-related disorders.

Submission:

PreventionGenetics, part of Exact Sciences
Classification: Uncertain significance for CREBBP-related condition. Last evaluated: 2024-08-15. Review status: no assertion criteria provided. Collection method: clinical testing. Allele origin: germline.
Comment: The CREBBP c.3605G>C variant is predicted to result in the amino acid substitution p.Arg1202Pro. To our knowledge, this variant has not been reported in the literature or in a large population database, indicating this variant is rare. At this time, the clinical significance of this variant is uncertain due to the absence of conclusive functional and genetic evidence.